The following is an entry in ClinVar:

ClinVar aggregate classification (germline): Uncertain significance (1 of 4 stars; one submission).

Conditions:
Retinoblastoma (RB1). Also called: RETINOBLASTOMA, SOMATIC. Identifiers: Orphanet 790, MedGen C0035335, MeSH D012175, MONDO:0008380, OMIM 180200, HP:0009919. Disease mechanism: loss of function. Inheritance: Both sporadic and heritable forms are tested..

Submission:

Labcorp Genetics (formerly Invitae), Labcorp
Classification: Uncertain significance for Retinoblastoma. Last evaluated: 2025-06-06. Review status: criteria provided, single submitter. Criteria: Invitae Variant Classification Sherloc (09022015). Collection method: clinical testing. Allele origin: germline.
Comment: This variant occurs in a non-coding region of the RB1 gene. It does not change the encoded amino acid sequence of the RB1 protein. This variant is not present in population databases (gnomAD no frequency). This variant has not been reported in the literature in individuals affected with RB1-related conditions. Experimental studies and prediction algorithms are not available or were not evaluated, and the functional significance of this variant is currently unknown. In summary, the available evidence is currently insufficient to determine the role of this variant in disease. Therefore, it has been classified as a Variant of Uncertain Significance.

NM_000321.3(RB1):c.-74_-50dup

Gene: RB1 (RB transcriptional corepressor 1; plus strand). Cytogenetic location: 13q14.2.
Variant type: Duplication.
Coding change: c.-74_-50dup on transcript NM_000321.3 (MANE Select); 74 bases upstream of the start codon through 50 bases upstream of the start codon, 25 bases duplicated (GCCCCGACGTGCGCGCGCGTCGTCC).
Molecular consequence: 5 prime UTR variant.
Genome position (GRCh38, 1-based): chr13:48,303,839-48,303,863, GCCCCGACGTGCGCGCGCGTCGTCC duplicated. VCF-style (leftmost placement, unchanged base first): chr13-48303838-T-TGCCCCGACGTGCGCGCGCGTCGTCC. GRCh37 (hg19) VCF-style: chr13-48877974-T-TGCCCCGACGTGCGCGCGCGTCGTCC.
Other names: c.-74_-50dup (NM_001407165.1, NM_001407166.1, NM_001407167.1).
Identifiers: ClinVar variation 4752902 (VCV004752902.1).